The following is an entry in ClinVar:

ClinVar aggregate classification (germline): Uncertain significance (1 of 4 stars; one submission).

gnomAD v4.1: 1 of 1,614,062 alleles (0.000062%); highest among the groups gnomAD compares: African/African-American, 0.0013%; no homozygotes.

Submission:

GeneDx
Classification: Uncertain significance. Last evaluated: 2023-05-30. Review status: criteria provided, single submitter. Criteria: GeneDx Variant Classification Process June 2021. Collection method: clinical testing. Allele origin: germline. Affected: yes.
Comment: Not observed at significant frequency in large population cohorts (gnomAD); In silico analysis supports that this missense variant does not alter protein structure/function; Has not been previously published as pathogenic or benign to our knowledge

NM_001378418.1(TCF20):c.1502C>G (p.Ser501Cys)

Gene: TCF20 (transcription factor 20; minus strand). Cytogenetic location: 22q13.2.
Variant type: single nucleotide variant.
Coding change: c.1502C>G on transcript NM_001378418.1 (MANE Select); coding-DNA position 1502, C replaced by G.
Protein change: p.Ser501Cys; replaces serine 501 with cysteine.
Molecular consequence: missense variant.
Genome position (GRCh38, 1-based): chr22:42,213,804, G>C on the plus strand (C>G on the coding strand, the complement: TCF20 is on the minus strand). VCF-style: chr22-42213804-G-C. GRCh37 (hg19) VCF-style: chr22-42609810-G-C.
Other names: c.1502C>G, p.Ser501Cys (NM_005650.4, NM_181492.3); short protein forms S501C.
Identifiers: ClinVar variation 3362216 (VCV003362216.1).